The following is an entry in ClinVar:

ClinVar aggregate classification (germline): Uncertain significance (1 of 4 stars; one submission).

Conditions:
Hereditary cancer-predisposing syndrome. Also called: Hereditary Cancer Syndrome; Hereditary neoplastic syndrome; Neoplastic Syndromes, Hereditary; Tumor predisposition. Identifiers: Orphanet 140162, MedGen C0027672, MeSH D009386, MONDO:0015356.

Submission:

Ambry Genetics
Classification: Uncertain significance for Hereditary cancer-predisposing syndrome. Last evaluated: 2020-09-17. Review status: criteria provided, single submitter. Criteria: Ambry Variant Classification Scheme 2023. Collection method: clinical testing. Allele origin: germline.
Comment: The p.E523Q variant (also known as c.1567G>C), located in coding exon 8 of the SMARCA4 gene, results from a G to C substitution at nucleotide position 1567. The glutamic acid at codon 523 is replaced by glutamine, an amino acid with highly similar properties. This amino acid position is highly conserved in available vertebrate species. In addition, this alteration is predicted to be tolerated by in silico analysis. Since supporting evidence is limited at this time, the clinical significance of this alteration remains unclear.

NM_003072.5(SMARCA4):c.1567G>C (p.Glu523Gln)

Gene: SMARCA4 (SWI/SNF related BAF chromatin remodeling complex subunit ATPase 4; plus strand). Cytogenetic location: 19p13.2.
Variant type: single nucleotide variant.
Coding change: c.1567G>C on transcript NM_003072.5 (MANE Select); coding-DNA position 1567, G replaced by C.
Protein change: p.Glu523Gln; replaces glutamic acid 523 with glutamine.
Molecular consequence: missense variant. On other transcripts: non-coding transcript variant (1).
Genome position (GRCh38, 1-based): chr19:10,994,975, G>C. VCF-style: chr19-10994975-G-C. GRCh37 (hg19) VCF-style: chr19-11105651-G-C.
Other names: c.1567G>C, p.Glu523Gln (NM_001128844.3, NM_001128845.2, NM_001128846.2 and 6 more transcripts); short protein forms E523Q.
Identifiers: ClinVar variation 1775403 (VCV001775403.2), dbSNP rs2086888561, ClinGen allele CA404062281.